The following is an entry in ClinVar:

NM_014415.4(ZBTB11):c.2760C>T (p.Ser920=)

Gene: ZBTB11 (zinc finger and BTB domain containing 11; minus strand). Cytogenetic location: 3q12.3.
Variant type: single nucleotide variant.
Coding change: c.2760C>T on transcript NM_014415.4 (MANE Select); coding-DNA position 2760, C replaced by T.
Protein change: p.Ser920=; no amino-acid change (serine 920 retained).
Molecular consequence: synonymous variant.
Genome position (GRCh38, 1-based): chr3:101,651,568, G>A on the plus strand (C>T on the coding strand, the complement: ZBTB11 is on the minus strand). VCF-style: chr3-101651568-G-A. GRCh37 (hg19) VCF-style: chr3-101370412-G-A.
Identifiers: ClinVar variation 3047351 (VCV003047351.3), dbSNP rs149703643, ClinGen allele CA2520852.

ClinVar aggregate classification (germline): Likely benign. Review status: criteria provided, single submitter (1 of 4 stars). 2 submissions from 2 submitters: Likely benign (1). 1 of the submissions does not count toward it. Last evaluated 2026-09-01.

Conditions:
ZBTB11-related disorder. Also called: ZBTB11-related condition.

Allele frequency attached by ClinVar (database versions not stated): TOPMed 0.00014; gnomAD exomes 0.00021; gnomAD 0.00032; ExAC 0.00042; 1000 Genomes Project 0.00080; 1000 Genomes Project 30x 0.00094.
gnomAD v4.1: 353 of 1,613,804 alleles (0.022%); highest among the groups gnomAD compares: East Asian, 0.087%; 2 homozygotes.

Submissions (2):

CeGaT Center for Human Genetics Tuebingen
Classification: Likely benign. Last evaluated: 2026-09-01. Review status: criteria provided, single submitter. Criteria: CeGaT Center For Human Genetics Tuebingen Variant Classification Criteria Version 2. Collection method: clinical testing. Allele origin: germline. Affected: yes. Observed: 1 variant allele.
Comment: ZBTB11: BP4, BP7

PreventionGenetics, part of Exact Sciences
Classification: Likely benign for ZBTB11-related condition. Last evaluated: 2019-04-01. Review status: no assertion criteria provided. Collection method: clinical testing. Allele origin: germline. Not counted in ClinVar's aggregate classification.
Comment: This variant is classified as likely benign based on ACMG/AMP sequence variant interpretation guidelines (Richards et al. 2015 PMID: 25741868, with internal and published modifications).